The following is an entry in ClinVar:

NM_014423.4(AFF4):c.1995T>C (p.Thr665=)

Gene: AFF4 (ALF transcription elongation factor 4; minus strand). Cytogenetic location: 5q31.1.
Variant type: single nucleotide variant.
Coding change: c.1995T>C on transcript NM_014423.4 (MANE Select); coding-DNA position 1995, T replaced by C.
Protein change: p.Thr665=; no amino-acid change (threonine 665 retained).
Molecular consequence: synonymous variant.
Genome position (GRCh38, 1-based): chr5:132,896,635, A>G on the plus strand (T>C on the coding strand, the complement: AFF4 is on the minus strand). VCF-style: chr5-132896635-A-G. GRCh37 (hg19) VCF-style: chr5-132232327-A-G.
Identifiers: ClinVar variation 3352225 (VCV003352225.1).

ClinVar aggregate classification (germline): Likely benign (0 of 4 stars; one submission).

Conditions:
AFF4-related disorder. Also called: AFF4-related condition.

Submission:

PreventionGenetics, part of Exact Sciences
Classification: Likely benign for AFF4-related condition. Last evaluated: 2022-03-22. Review status: no assertion criteria provided. Collection method: clinical testing. Allele origin: germline.
Comment: This variant is classified as likely benign based on ACMG/AMP sequence variant interpretation guidelines (Richards et al. 2015 PMID: 25741868, with internal and published modifications).